The following is an entry in ClinVar:

ClinVar aggregate classification (germline): Uncertain significance. Review status: criteria provided, multiple submitters, no conflicts (2 of 4 stars). 9 submissions from 7 submitters: Uncertain significance (9). Last evaluated 2025-12-16.

Conditions:
Inborn genetic diseases. Identifiers: MedGen C0950123, MeSH D030342.
Central core myopathy (CMYO1A). Also called: CONGENITAL MYOPATHY 1A, AUTOSOMAL DOMINANT, WITH SUSCEPTIBILITY TO MALIGNANT HYPERTHERMIA; Central core disease; Myopathy, central fibrillar. Identifiers: Orphanet 597, MedGen C5830701, MONDO:0007294, OMIM 117000.
Malignant hyperthermia, susceptibility to, 1 (MHS1). Also called: RYR1-Related Malignant Hyperthermia Susceptibility; Malignant hyperthermia suceptibility 1; Anesthesia related hyperthermia; Malignant hyperpyrexia; Fulminating hyperpyrexia; Pharmacogenic myopathy. Identifiers: Orphanet 423, MedGen C2930980, MONDO:0007783, OMIM 145600.
Congenital myopathy with fiber type disproportion. Also called: Congenital fiber-type disproportion; Congenital fiber-type disproportion myopathy. Identifiers: Orphanet 2020, MedGen C0546264, MONDO:0009711. Inheritance: all.
Congenital multicore myopathy with external ophthalmoplegia (CMYO1B). Also called: Minicore myopathy with external ophthalmoplegia; MULTIMINICORE DISEASE WITH EXTERNAL OPHTHALMOPLEGIA; MULTICORE MYOPATHY; Congenital myopathy 1B, autosomal recessive; Minicore myopathy. Identifiers: Orphanet 598, Orphanet 98905, MedGen C1850674, MONDO:0009712, OMIM 255320, HP:0003789.
King Denborough syndrome (KDS). Identifiers: MedGen C1840365, MONDO:0020485, OMIM 619542.
RYR1-related disorder. Also called: RYR1-related disorders; RYR1-related condition. Identifiers: MedGen CN239331.

Allele frequency attached by ClinVar (database versions not stated): TOPMed 0.00001; gnomAD 0.00001; gnomAD exomes 0.00002; ExAC 0.00003; ESP Exome Variant Server 0.00008.
gnomAD v4.1: 30 of 1,613,596 alleles (0.0019%); highest among the groups gnomAD compares: Non-Finnish European, 0.0023%; no homozygotes.

Submissions (9):

Ambry Genetics
Classification: Uncertain significance for Inborn genetic diseases. Last evaluated: 2025-12-16. Review status: criteria provided, single submitter. Criteria: Ambry Variant Classification Scheme 2023. Collection method: clinical testing. Allele origin: germline.

Labcorp Genetics (formerly Invitae), Labcorp
Classification: Uncertain significance for RYR1-related disorder. Last evaluated: 2025-09-23. Review status: criteria provided, single submitter. Criteria: Invitae Variant Classification Sherloc (09022015). Collection method: clinical testing. Allele origin: germline.
Comment: This sequence change replaces arginine, which is basic and polar, with histidine, which is basic and polar, at codon 1420 of the RYR1 protein (p.Arg1420His). This variant is present in population databases (rs150499158, gnomAD 0.004%). This variant has not been reported in the literature in individuals affected with RYR1-related conditions. ClinVar contains an entry for this variant (Variation ID: 426139). Invitae Evidence Modeling of protein sequence and biophysical properties (such as structural, functional, and spatial information, amino acid conservation, physicochemical variation, residue mobility, and thermodynamic stability) indicates that this missense variant is not expected to disrupt RYR1 protein function with a negative predictive value of 80%. In summary, the available evidence is currently insufficient to determine the role of this variant in disease. Therefore, it has been classified as a Variant of Uncertain Significance.

All of Us Research Program, National Institutes of Health
Classification: Uncertain significance for Malignant hyperthermia, susceptibility to, 1. Last evaluated: 2024-05-14. Review status: criteria provided, single submitter. Criteria: ACMG Guidelines, 2015. Collection method: clinical testing. Allele origin: germline. Inheritance: Autosomal dominant inheritance. Observed: 7 variant alleles, 7 heterozygotes.
Comment: This missense variant replaces arginine with histidine at codon 1420 of the RYR1 protein. Computational prediction suggests that this variant may have deleterious impact on protein structure and function (internally defined REVEL score threshold >= 0.7, PMID: 27666373). To our knowledge, functional studies have not been reported for this variant. This variant has not been reported in individuals affected with RYR1-related disorders in the literature. This variant has been identified in 7/282298 chromosomes in the general population by the Genome Aggregation Database (gnomAD). The available evidence is insufficient to determine the role of this variant in disease conclusively. Therefore, this variant is classified as a Variant of Uncertain Significance.

This study involves interpretation of variants in research participants for the purpose of population health screening. Participant phenotype was not available at the time of variant classification. Additional details can be found in publication PMID: 35346344, PMCID: PMC8962531

Color Diagnostics, LLC DBA Color Health
Classification: Uncertain significance for Malignant hyperthermia, susceptibility to, 1. Last evaluated: 2024-05-06. Review status: criteria provided, single submitter. Criteria: ACMG Guidelines, 2015. Collection method: clinical testing. Allele origin: germline.
Comment: This missense variant replaces arginine with histidine at codon 1420 of the RYR1 protein. Computational prediction is inconclusive regarding the impact of this variant on protein structure and function. To our knowledge, functional studies have not been reported for this variant. This variant has not been reported in individuals affected with RYR1-related disorders in the literature. This variant has been identified in 7/282298 chromosomes in the general population by the Genome Aggregation Database (gnomAD). The available evidence is insufficient to determine the role of this variant in disease conclusively. Therefore, this variant is classified as a Variant of Uncertain Significance.

Fulgent Genetics
Classification: Uncertain significance for Central core myopathy; Malignant hyperthermia, susceptibility to, 1; Congenital myopathy 4A, autosomal dominant; Congenital multicore myopathy with external ophthalmoplegia; King Denborough syndrome. Last evaluated: 2021-09-14. Review status: criteria provided, single submitter. Criteria: ACMG Guidelines, 2015. Collection method: clinical testing. Allele origin: unknown.

Illumina Laboratory Services, Illumina
Classification: Uncertain significance for Central core myopathy. Last evaluated: 2018-01-13. Review status: criteria provided, single submitter. Criteria: ICSL Variant Classification Criteria 13 December 2019. Collection method: clinical testing. Allele origin: germline.

Illumina Laboratory Services, Illumina
Classification: Uncertain significance for Malignant hyperthermia, susceptibility to, 1. Last evaluated: 2018-01-13. Review status: criteria provided, single submitter. Criteria: ICSL Variant Classification Criteria 13 December 2019. Collection method: clinical testing. Allele origin: germline.

Illumina Laboratory Services, Illumina
Classification: Uncertain significance for Congenital multicore myopathy with external ophthalmoplegia. Last evaluated: 2018-01-13. Review status: criteria provided, single submitter. Criteria: ICSL Variant Classification Criteria 13 December 2019. Collection method: clinical testing. Allele origin: germline.

GeneDx
Classification: Uncertain significance. Last evaluated: 2017-05-01. Review status: criteria provided, single submitter. Criteria: GeneDx Variant Classification (06012015). Collection method: clinical testing. Allele origin: germline. Affected: yes.
Comment: The R1420H variant in the RYR1 gene has not been reported previously as a pathogenic variant, nor as a benign variant, to our knowledge. The R1420H variant is not observed at a significant frequency in large population cohorts (Lek et al., 2016; 1000 Genomes Consortium et al., 2015; Exome Variant Server). The R1420H variant is a conservative amino acid substitution, which is not likely to impact secondary protein structure as these residues share similar properties. This substitution occurs at a position that is conserved across species. In silico analysis predicts this variant is probably damaging to the protein structure/function. We interpret R1420H as a variant of uncertain significance.

NM_000540.3(RYR1):c.4259G>A (p.Arg1420His)

Gene: RYR1 (ryanodine receptor 1; plus strand). Cytogenetic location: 19q13.2.
Variant type: single nucleotide variant.
Coding change: c.4259G>A on transcript NM_000540.3 (MANE Select); coding-DNA position 4259, G replaced by A.
Protein change: p.Arg1420His; replaces arginine 1420 with histidine.
Molecular consequence: missense variant.
Genome position (GRCh38, 1-based): chr19:38,475,416, G>A. VCF-style: chr19-38475416-G-A. GRCh37 (hg19) VCF-style: chr19-38966056-G-A.
Other names: c.4259G>A, p.Arg1420His (NM_001042723.2); short protein forms R1420H.
Identifiers: ClinVar variation 426139 (VCV000426139.13), dbSNP rs150499158, ClinGen allele CA065797.